The following is an entry in ClinVar:

ClinVar aggregate classification (germline): Uncertain significance (1 of 4 stars; one submission).

gnomAD v4.1: 1 of 1,613,164 alleles (0.000062%); highest among the groups gnomAD compares: Non-Finnish European, 0.000085%; no homozygotes.

Submission:

Labcorp Genetics (formerly Invitae), Labcorp
Classification: Uncertain significance. Last evaluated: 2025-10-02. Review status: criteria provided, single submitter. Criteria: Invitae Variant Classification Sherloc (09022015). Collection method: clinical testing. Allele origin: germline.
Comment: This sequence change replaces leucine, which is neutral and non-polar, with proline, which is neutral and non-polar, at codon 1057 of the COL18A1 protein (p.Leu1057Pro). This variant is not present in population databases (gnomAD no frequency). This variant has not been reported in the literature in individuals affected with COL18A1-related conditions. Experimental studies and prediction algorithms are not available or were not evaluated, and the functional significance of this variant is currently unknown. In summary, the available evidence is currently insufficient to determine the role of this variant in disease. Therefore, it has been classified as a Variant of Uncertain Significance.

NM_001379500.1(COL18A1):c.3179T>C (p.Leu1060Pro)

Genes: COL18A1 (collagen type XVIII alpha 1 chain; plus strand), SLC19A1 (solute carrier family 19 member 1; minus strand). Cytogenetic location: 21q22.3.
Variant type: single nucleotide variant.
Coding change: c.3179T>C on transcript NM_001379500.1 (MANE Select); coding-DNA position 3179, T replaced by C.
Protein change: p.Leu1060Pro; replaces leucine 1060 with proline.
Molecular consequence: missense variant.
Genome position (GRCh38, 1-based): chr21:45,505,929, T>C. VCF-style: chr21-45505929-T-C. GRCh37 (hg19) VCF-style: chr21-46925843-T-C.
Other names: c.3710T>C, p.Leu1237Pro (NM_030582.4); c.4415T>C, p.Leu1472Pro (NM_130444.3); short protein forms L1237P, L1472P, L1060P.
Identifiers: ClinVar variation 4728337 (VCV004728337.1).